The following is an entry in ClinVar:

NM_000126.4(ETFA):c.40-269A>G

Gene: ETFA (electron transfer flavoprotein subunit alpha; minus strand). Cytogenetic location: 15q24.2.
Variant type: single nucleotide variant.
Coding change: c.40-269A>G on transcript NM_000126.4 (MANE Select); 269 bases into the intron before coding-DNA position 40, A replaced by G.
Molecular consequence: intron variant.
Genome position (GRCh38, 1-based): chr15:76,296,006, T>C on the plus strand (A>G on the coding strand, the complement: ETFA is on the minus strand). VCF-style: chr15-76296006-T-C. GRCh37 (hg19) VCF-style: chr15-76588347-T-C.
Other names: c.40-3306A>G (NM_001127716.2).
Identifiers: ClinVar variation 683979 (VCV000683979.1), dbSNP rs2456065, ClinGen allele CA273700537.

ClinVar aggregate classification (germline): Benign (1 of 4 stars; one submission).

Allele frequency attached by ClinVar (database versions not stated): TOPMed 0.67640; gnomAD 0.76265 and 0.76521; 1000 Genomes Project 0.96166.
gnomAD v4.1: 94,328 of 123,690 alleles (76%); highest among the groups gnomAD compares: Middle Eastern, 83%; 32,777 homozygotes.

Submission:

GeneDx
Classification: Benign. Last evaluated: 2018-06-14. Review status: criteria provided, single submitter. Criteria: GeneDx Variant Classification (06012015). Collection method: clinical testing. Allele origin: germline. Affected: yes.
Comment: This variant is considered likely benign or benign based on one or more of the following criteria: it is a conservative change, it occurs at a poorly conserved position in the protein, it is predicted to be benign by multiple in silico algorithms, and/or has population frequency not consistent with disease.